The following is an entry in ClinVar:

NM_024426.6(WT1):c.513C>T (p.Gly171=)

Genes: WT1 (WT1 transcription factor; minus strand), LOC107982234 (WT1/WT1-AS bi-directional promoter region; plus strand). Cytogenetic location: 11p13.
Variant type: single nucleotide variant.
Coding change: c.513C>T on transcript NM_024426.6 (MANE Select); coding-DNA position 513, C replaced by T.
Protein change: p.Gly171=; no amino-acid change (glycine 171 retained).
Molecular consequence: synonymous variant. On other transcripts: non-coding transcript variant (2).
Genome position (GRCh38, 1-based): chr11:32,434,848, G>A on the plus strand (C>T on the coding strand, the complement: WT1 is on the minus strand). VCF-style: chr11-32434848-G-A. GRCh37 (hg19) VCF-style: chr11-32456394-G-A.
Other names: c.498C>T (NM_024426.4); c.513C>T, p.Gly171= (NM_000378.6, NM_001407044.1, NM_001407045.1 and 6 more transcripts); c.498C>T, p.Gly166= (NM_024425.2).
Identifiers: ClinVar variation 2924093 (VCV002924093.5), dbSNP rs536728682, ClinGen allele CA473571566.

ClinVar aggregate classification (germline): Conflicting classifications of pathogenicity. Review status: criteria provided, conflicting classifications (1 of 4 stars). 3 submissions from 3 submitters: Uncertain significance (2); Likely benign (1). Last evaluated 2025-01-07.

Conditions:
Wilms tumor 1 (WT1). Also called: Wilms tumor, somatic. Identifiers: Orphanet 654, MedGen CN033288, MONDO:0008679, OMIM 194070.
Drash syndrome (DDS). Also called: NEPHROPATHY, WILMS TUMOR, AND GENITAL ANOMALIES; WILMS TUMOR AND PSEUDO- OR TRUE HERMAPHRODITISM. Identifiers: Orphanet 220, MedGen C0950121, MONDO:0008682, OMIM 194080.
Frasier syndrome. Identifiers: Orphanet 347, MedGen C0950122, MeSH D052159, MONDO:0007635, OMIM 136680.
11p partial monosomy syndrome (WAGR). Also called: CHROMOSOME 11p13 DELETION SYNDROME; WAGR Spectrum Disorder; WAGR syndrome; WAGR Complex. Identifiers: Orphanet 893, MedGen C0206115, MONDO:0008681, OMIM 194072.
Inborn genetic diseases. Identifiers: MedGen C0950123, MeSH D030342.
Meacham syndrome. Also called: Meacham Winn Culler syndrome. Identifiers: Orphanet 3097, MedGen C1837026, MONDO:0012164, OMIM 608978.
Mesothelioma, malignant (MESOM). Also called: Malignant mesothelioma (disease). Identifiers: Orphanet 50251, MedGen C0345967, MONDO:0006292, OMIM 156240, HP:0100001.
Nephrotic syndrome, type 4 (NPHS4). Also called: Familial mesangial sclerosis; Nephrotic syndrome, early onset with diffuse mesangial sclerosis. Identifiers: Orphanet 656, MedGen C3151568, MONDO:0009733, OMIM 256370.

Submissions (3):

Ambry Genetics
Classification: Uncertain significance for Inborn genetic diseases. Last evaluated: 2025-01-07. Review status: criteria provided, single submitter. Criteria: Ambry Variant Classification Scheme 2023. Collection method: clinical testing. Allele origin: germline.
Comment: The c.498C>T variant (also known as p.G166G), located in coding exon 1 of the WT1 gene, results from a C to T substitution at nucleotide position 498. This nucleotide substitution does not change the glycine at codon 166. This nucleotide position is well conserved in available vertebrate species. In silico splice site analysis for this alteration is inconclusive. Based on the available evidence, the clinical significance of this variant remains unclear.

Fulgent Genetics
Classification: Uncertain significance for Frasier syndrome; Mesothelioma, malignant; Wilms tumor 1; Drash syndrome; Nephrotic syndrome, type 4; Meacham syndrome. Last evaluated: 2024-03-23. Review status: criteria provided, single submitter. Criteria: ACMG Guidelines, 2015. Collection method: clinical testing. Allele origin: germline.

Labcorp Genetics (formerly Invitae), Labcorp
Classification: Likely benign for Wilms tumor 1; Drash syndrome; 11p partial monosomy syndrome; Frasier syndrome. Last evaluated: 2023-07-16. Review status: criteria provided, single submitter. Criteria: Invitae Variant Classification Sherloc (09022015). Collection method: clinical testing. Allele origin: germline.